The following is an entry in ClinVar:

NM_001283009.2(RTEL1):c.2600C>G (p.Pro867Arg)

Genes: RTEL1 (regulator of telomere elongation helicase 1; plus strand), RTEL1-TNFRSF6B (RTEL1-TNFRSF6B readthrough (NMD candidate); plus strand). Cytogenetic location: 20q13.33.
Variant type: single nucleotide variant.
Coding change: c.2600C>G on transcript NM_001283009.2 (MANE Select); coding-DNA position 2600, C replaced by G.
Protein change: p.Pro867Arg; replaces proline 867 with arginine.
Molecular consequence: missense variant. On other transcripts: non-coding transcript variant (1).
Genome position (GRCh38, 1-based): chr20:63,691,785, C>G. VCF-style: chr20-63691785-C-G. GRCh37 (hg19) VCF-style: chr20-62323138-C-G.
Other names: c.1931C>G, p.Pro644Arg (NM_001283010.1); c.2600C>G, p.Pro867Arg (NM_016434.4); c.2672C>G, p.Pro891Arg (NM_032957.5); short protein forms P644R, P867R, P891R.
Identifiers: ClinVar variation 2930485 (VCV002930485.3), dbSNP rs139083375, ClinGen allele CA409682357.

ClinVar aggregate classification (germline): Uncertain significance (1 of 4 stars; one submission).

Conditions:
Dyskeratosis congenita, autosomal recessive 5 (DKCB5). Identifiers: MedGen C3554656, MONDO:0014076, OMIM 615190.
Pulmonary fibrosis and/or bone marrow failure, Telomere-related, 3. Also called: PULMONARY FIBROSIS AND/OR BONE MARROW FAILURE SYNDROME, TELOMERE-RELATED, 3. Identifiers: Orphanet 2032, MedGen C4225346, MONDO:0014613, OMIM 616373.

gnomAD v4.1: 3 of 1,612,468 alleles (0.00019%); highest among the groups gnomAD compares: Non-Finnish European, 0.00025%; no homozygotes.

Submission:

Labcorp Genetics (formerly Invitae), Labcorp
Classification: Uncertain significance for Dyskeratosis congenita, autosomal recessive 5; Pulmonary fibrosis and/or bone marrow failure, Telomere-related, 3. Last evaluated: 2023-12-01. Review status: criteria provided, single submitter. Criteria: Invitae Variant Classification Sherloc (09022015). Collection method: clinical testing. Allele origin: germline.
Comment: This sequence change replaces proline, which is neutral and non-polar, with arginine, which is basic and polar, at codon 867 of the RTEL1 protein (p.Pro867Arg). This variant is not present in population databases (gnomAD no frequency). This variant has not been reported in the literature in individuals affected with RTEL1-related conditions. An algorithm developed to predict the effect of missense changes on protein structure and function (PolyPhen-2) suggests that this variant is likely to be tolerated. In summary, the available evidence is currently insufficient to determine the role of this variant in disease. Therefore, it has been classified as a Variant of Uncertain Significance.